The following is an entry in ClinVar:

ClinVar aggregate classification (germline): Conflicting classifications of pathogenicity. Review status: criteria provided, conflicting classifications (1 of 4 stars). 8 submissions from 8 submitters: Pathogenic (3); Likely pathogenic (3); Uncertain significance (2). Last evaluated 2025-11-09.

Conditions:
Congenital multicore myopathy with external ophthalmoplegia (CMYO1B). Also called: MULTICORE MYOPATHY; Minicore myopathy with external ophthalmoplegia; Congenital myopathy 1B, autosomal recessive; Minicore myopathy; MULTIMINICORE DISEASE WITH EXTERNAL OPHTHALMOPLEGIA. Identifiers: Orphanet 598, Orphanet 98905, MedGen C1850674, MONDO:0009712, OMIM 255320, HP:0003789.
Malignant hyperthermia, susceptibility to, 1 (MHS1). Also called: RYR1-Related Malignant Hyperthermia Susceptibility; Malignant hyperthermia suceptibility 1; Anesthesia related hyperthermia; Malignant hyperpyrexia; Fulminating hyperpyrexia; Pharmacogenic myopathy. Identifiers: Orphanet 423, MedGen C2930980, MONDO:0007783, OMIM 145600.
Central core myopathy (CMYO1A). Also called: CONGENITAL MYOPATHY 1A, AUTOSOMAL DOMINANT, WITH SUSCEPTIBILITY TO MALIGNANT HYPERTHERMIA; Central core disease; Myopathy, central fibrillar. Identifiers: Orphanet 597, MedGen C5830701, MONDO:0007294, OMIM 117000.
Congenital myopathy with fiber type disproportion. Also called: Congenital fiber-type disproportion myopathy; Congenital fiber-type disproportion. Identifiers: Orphanet 2020, MedGen C0546264, MONDO:0009711. Inheritance: all.
King Denborough syndrome (KDS). Identifiers: MedGen C1840365, MONDO:0020485, OMIM 619542.
RYR1-related disorder. Also called: RYR1-related condition; RYR1-related disorders. Identifiers: MedGen CN239331.

Allele frequency attached by ClinVar (database versions not stated): gnomAD 0.00001; gnomAD exomes 0.00001; TOPMed 0.00001.

Submissions (8):

Labcorp Genetics (formerly Invitae), Labcorp
Classification: Pathogenic for RYR1-related disorder. Last evaluated: 2025-11-09. Review status: criteria provided, single submitter. Criteria: Invitae Variant Classification Sherloc (09022015). Collection method: clinical testing. Allele origin: germline.
Comment: This sequence change creates a premature translational stop signal (p.Lys4511Argfs*74) in the RYR1 gene. It is expected to result in an absent or disrupted protein product. Loss-of-function variants in RYR1 are known to be pathogenic (PMID: 23919265, 25960145, 28818389, 30611313). This variant is not present in population databases (gnomAD no frequency). This premature translational stop signal has been observed in individual(s) with central core disease (PMID: 25960145). ClinVar contains an entry for this variant (Variation ID: 545809). For these reasons, this variant has been classified as Pathogenic.

Color Diagnostics, LLC DBA Color Health
Classification: Uncertain significance for Malignant hyperthermia, susceptibility to, 1. Last evaluated: 2025-08-19. Review status: criteria provided, single submitter. Criteria: ACMG Guidelines, 2015. Collection method: clinical testing. Allele origin: germline.
Comment: This variant inserts 7 nucleotides in exon 93 of the RYR1 gene, creating a frameshift and premature translation stop signal. This variant is expected to result in an absent or non-functional protein product. This variant has not been identified in the general population by the Genome Aggregation Database (gnomAD). Loss of RYR1 function due to haploinsufficiency is not an established disease mechanism for autosomal dominant malignant hyperthermia, although it is associated with other phenotypes (ClinVar Variation ID: 545809, PMID: 25960145). Due to insufficient evidence, this variant is classified as a Variant of Uncertain Significance for autosomal dominant malignant hyperthermia.

All of Us Research Program, National Institutes of Health
Classification: Uncertain significance for Malignant hyperthermia, susceptibility to, 1. Last evaluated: 2024-03-05. Review status: criteria provided, single submitter. Criteria: ACMG Guidelines, 2015. Collection method: clinical testing. Allele origin: germline. Inheritance: Autosomal dominant inheritance. Observed: 4 variant alleles, 4 heterozygotes.
Comment: This variant inserts 7 nucleotides in exon 93 of the RYR1 gene, creating a frameshift and premature translation stop signal. This variant is expected to result in an absent or non-functional protein product. This variant has not been identified in the general population by the Genome Aggregation Database (gnomAD). Loss of RYR1 function due to haploinsufficiency is not an established disease mechanism for autosomal dominant malignant hyperthermia, although it is associated with other phenotypes (ClinVar Variation ID: 545809, PMID: 25960145). Due to insufficient evidence, this variant is classified as a Variant of Uncertain Significance for autosomal dominant malignant hyperthermia.

This study involves interpretation of variants in research participants for the purpose of population health screening. Participant phenotype was not available at the time of variant classification. Additional details can be found in publication PMID: 35346344, PMCID: PMC8962531

Human Genome Sequencing Center Clinical Lab, Baylor College of Medicine
Classification: Likely pathogenic for Congenital multicore myopathy with external ophthalmoplegia. Last evaluated: 2023-11-13. Review status: criteria provided, single submitter. Criteria: ACMG Guidelines, 2015. Collection method: clinical testing. Allele origin: unknown.

Blueprint Genetics
Classification: Pathogenic for RYR1-related disorders. Last evaluated: 2023-01-23. Review status: criteria provided, single submitter. Criteria: ACMG Guidelines, 2015. Collection method: clinical testing. Allele origin: germline. Affected: yes. Observed: 2 variant alleles.

Fulgent Genetics
Classification: Likely pathogenic for Central core myopathy; Malignant hyperthermia, susceptibility to, 1; Congenital myopathy 4A, autosomal dominant; Congenital multicore myopathy with external ophthalmoplegia; King Denborough syndrome. Last evaluated: 2021-12-07. Review status: criteria provided, single submitter. Criteria: ACMG Guidelines, 2015. Collection method: clinical testing. Allele origin: unknown.

Revvity Omics, Revvity
Classification: Pathogenic. Last evaluated: 2020-03-09. Review status: criteria provided, single submitter. Criteria: ACMG Guidelines, 2015. Collection method: clinical testing. Allele origin: germline.

GeneDx
Classification: Likely pathogenic. Last evaluated: 2019-10-18. Review status: criteria provided, single submitter. Criteria: GeneDx Variant Classification Process June 2021. Collection method: clinical testing. Allele origin: germline. Affected: yes.
Comment: Frameshift variant predicted to result in nonsense mediated decay in a gene for which loss-of-function is a known mechanism of disease; Not observed in large population cohorts (Lek et al., 2016); Reported in an individual with central core disease who also carried a second pathogenic variant in RYR1 (Snoeck et al., 2015); This variant is associated with the following publications: (PMID: 25960145)

Literature cited by the submitters: PubMed 23919265 (cited by Labcorp Genetics (formerly Invitae), Labcorp); PubMed 25960145 (cited by Labcorp Genetics (formerly Invitae), Labcorp and All of Us Research Program, National Institutes of Health); PubMed 28818389 (cited by Labcorp Genetics (formerly Invitae), Labcorp); PubMed 30611313 (cited by Labcorp Genetics (formerly Invitae), Labcorp).

NM_000540.3(RYR1):c.13525_13531dup (p.Lys4511fs)

Gene: RYR1 (ryanodine receptor 1; plus strand). Cytogenetic location: 19q13.2.
Variant type: Duplication.
Coding change: c.13525_13531dup on transcript NM_000540.3 (MANE Select); coding-DNA positions 13525 to 13531, 7 bases duplicated (GGGGAGA; older notation c.13525_13531dupGGGGAGA).
Protein change: p.Lys4511fs; shifts the reading frame from lysine 4511.
Molecular consequence: frameshift variant.
Genome position (GRCh38, 1-based): chr19:38,567,783-38,567,789, GGGGAGA duplicated. VCF-style (leftmost placement, unchanged base first): chr19-38567782-T-TGGGGAGA. GRCh37 (hg19) VCF-style: chr19-39058422-T-TGGGGAGA.
Other names: c.13525_13531dupGGGGAGA (NM_000540.2); c.13510_13516dup, p.Lys4506fs (NM_001042723.2); short protein forms K4511fs, K4506fs.
Identifiers: ClinVar variation 545809 (VCV000545809.21), dbSNP rs928989953, ClinGen allele CA308111282.